The following is an entry in ClinVar:

ClinVar aggregate classification (germline): Conflicting classifications of pathogenicity. Review status: criteria provided, conflicting classifications (1 of 4 stars). 3 submissions from 3 submitters: Uncertain significance (2); Likely benign (1). Last evaluated 2025-11-22.

Conditions:
Cardiovascular phenotype. Identifiers: MedGen CN230736.
Arrhythmogenic cardiomyopathy with wooly hair and keratoderma. Also called: PALMOPLANTAR KERATODERMA WITH LEFT VENTRICULAR CARDIOMYOPATHY AND WOOLLY HAIR; Carvajal syndrome; Arrhythmogenic cardiomyopathy with woolly hair and keratoderma; Dilated cardiomyopathy with woolly hair and keratoderma. Identifiers: Orphanet 65282, MedGen C1854063, MONDO:0011581, OMIM 605676.
Arrhythmogenic right ventricular dysplasia 8 (ARVD8). Also called: Arrhythmogenic Right Ventricular Dysplasia/Cardiomyopathy 8; ARRHYTHMOGENIC RIGHT VENTRICULAR DYSPLASIA, FAMILIAL, 8; ARRHYTHMOGENIC RIGHT VENTRICULAR CARDIOMYOPATHY 8. Identifiers: MedGen C1843896, MONDO:0011831, OMIM 607450.

Allele frequency attached by ClinVar (database versions not stated): gnomAD 0.00001; gnomAD exomes 0.00001; TOPMed 0.00001.
gnomAD v4.1: 8 of 1,613,986 alleles (0.0005%); highest among the groups gnomAD compares: East Asian, 0.0022%; no homozygotes.

Submissions (3):

Labcorp Genetics (formerly Invitae), Labcorp
Classification: Likely benign for Arrhythmogenic cardiomyopathy with wooly hair and keratoderma; Arrhythmogenic right ventricular dysplasia 8. Last evaluated: 2025-11-22. Review status: criteria provided, single submitter. Criteria: Invitae Variant Classification Sherloc (09022015). Collection method: clinical testing. Allele origin: germline.

All of Us Research Program, National Institutes of Health
Classification: Uncertain significance for Arrhythmogenic cardiomyopathy with wooly hair and keratoderma. Last evaluated: 2024-06-11. Review status: criteria provided, single submitter. Criteria: ACMG Guidelines, 2015. Collection method: clinical testing. Allele origin: germline. Inheritance: Autosomal dominant inheritance. Observed: 3 variant alleles, 3 heterozygotes.
Comment: This missense variant replaces arginine with glutamine at codon 1247 of the DSP protein. Computational prediction suggests that this variant may not impact protein structure and function (internally defined REVEL score threshold <= 0.5, PMID: 27666373). To our knowledge, functional studies have not been reported for this variant. This variant has not been reported in individuals affected with DSP-related disorders in the literature. This variant has been identified in 2/250518 chromosomes in the general population by the Genome Aggregation Database (gnomAD). The available evidence is insufficient to determine the role of this variant in disease conclusively. Therefore, this variant is classified as a Variant of Uncertain Significance.

This study involves interpretation of variants in research participants for the purpose of population health screening. Participant phenotype was not available at the time of variant classification. Additional details can be found in publication PMID: 35346344, PMCID: PMC8962531

Ambry Genetics
Classification: Uncertain significance for Cardiovascular phenotype. Last evaluated: 2023-03-19. Review status: criteria provided, single submitter. Criteria: Ambry Variant Classification Scheme 2023. Collection method: clinical testing. Allele origin: germline.
Comment: The p.R1247Q variant (also known as c.3740G>A), located in coding exon 23 of the DSP gene, results from a G to A substitution at nucleotide position 3740. The arginine at codon 1247 is replaced by glutamine, an amino acid with highly similar properties. This amino acid position is conserved. In addition, the in silico prediction for this alteration is inconclusive. Since supporting evidence is limited at this time, the clinical significance of this alteration remains unclear.

NM_004415.4(DSP):c.3740G>A (p.Arg1247Gln)

Gene: DSP (desmoplakin; plus strand). Cytogenetic location: 6p24.3.
Variant type: single nucleotide variant.
Coding change: c.3740G>A on transcript NM_004415.4 (MANE Select); coding-DNA position 3740, G replaced by A.
Protein change: p.Arg1247Gln; replaces arginine 1247 with glutamine.
Molecular consequence: missense variant. On other transcripts: intron variant (1).
Genome position (GRCh38, 1-based): chr6:7,579,930, G>A. VCF-style: chr6-7579930-G-A. GRCh37 (hg19) VCF-style: chr6-7580163-G-A.
Other names: c.3740G>A (LRG_423t1); c.3740G>A, p.Arg1247Gln (NM_001319034.2); c.3582+158G>A (NM_001008844.3); short protein forms R1247Q.
Identifiers: ClinVar variation 246663 (VCV000246663.13), dbSNP rs867067755, ClinGen allele CA10584679.